The following is an entry in ClinVar:

ClinVar aggregate classification (germline): Uncertain significance. Review status: criteria provided, multiple submitters, no conflicts (2 of 4 stars). 2 submissions from 2 submitters: Uncertain significance (2). Last evaluated 2024-12-20.

Conditions:
Curry-Hall syndrome (WAD). Also called: WEYERS ACRODENTAL DYSOSTOSIS. Identifiers: Orphanet 952, MedGen C0457013, MONDO:0008673, OMIM 193530.
Ellis-van Creveld syndrome (EVC). Also called: EVC-Related Ellis-van Creveld Syndrome; EVC2-Related Ellis-van Creveld Syndrome; Chondroectodermal dysplasia; MESOECTODERMAL DYSPLASIA. Identifiers: Orphanet 289, MedGen C0013903, MONDO:0009162, OMIM 225500.

gnomAD v4.1: 66 of 1,611,912 alleles (0.0041%); highest among the groups gnomAD compares: Non-Finnish European, 0.0052%; no homozygotes.

Submissions (2):

Labcorp Genetics (formerly Invitae), Labcorp
Classification: Uncertain significance for Curry-Hall syndrome; Ellis-van Creveld syndrome. Last evaluated: 2024-12-20. Review status: criteria provided, single submitter. Criteria: Invitae Variant Classification Sherloc (09022015). Collection method: clinical testing. Allele origin: germline.
Comment: This sequence change replaces methionine, which is neutral and non-polar, with isoleucine, which is neutral and non-polar, at codon 577 of the EVC2 protein (p.Met577Ile). This variant is present in population databases (rs562337541, gnomAD 0.004%). This variant has not been reported in the literature in individuals affected with EVC2-related conditions. An algorithm developed to predict the effect of missense changes on protein structure and function (PolyPhen-2) suggests that this variant is likely to be disruptive. In summary, the available evidence is currently insufficient to determine the role of this variant in disease. Therefore, it has been classified as a Variant of Uncertain Significance.

GeneDx
Classification: Uncertain significance. Last evaluated: 2024-08-09. Review status: criteria provided, single submitter. Criteria: GeneDx Variant Classification Process June 2021. Collection method: clinical testing. Allele origin: germline. Affected: yes.
Comment: In silico analysis indicates that this missense variant does not alter protein structure/function; Has not been previously published as pathogenic or benign to our knowledge

NM_147127.5(EVC2):c.1731G>A (p.Met577Ile)

Gene: EVC2 (EvC ciliary complex subunit 2; minus strand). Cytogenetic location: 4p16.2.
Variant type: single nucleotide variant.
Coding change: c.1731G>A on transcript NM_147127.5 (MANE Select); coding-DNA position 1731, G replaced by A.
Protein change: p.Met577Ile; replaces methionine 577 with isoleucine.
Molecular consequence: missense variant.
Genome position (GRCh38, 1-based): chr4:5,628,714, C>T on the plus strand (G>A on the coding strand, the complement: EVC2 is on the minus strand). VCF-style: chr4-5628714-C-T. GRCh37 (hg19) VCF-style: chr4-5630441-C-T.
Other names: c.1491G>A, p.Met497Ile (NM_001166136.2); short protein forms M497I, M577I.
Identifiers: ClinVar variation 3603156 (VCV003603156.3).